The following is an entry in ClinVar:

NM_015338.6(ASXL1):c.1814G>A (p.Cys605Tyr)

Gene: ASXL1 (ASXL transcriptional regulator 1; plus strand). Cytogenetic location: 20q11.21.
Variant type: single nucleotide variant.
Coding change: c.1814G>A on transcript NM_015338.6 (MANE Select); coding-DNA position 1814, G replaced by A.
Protein change: p.Cys605Tyr; replaces cysteine 605 with tyrosine.
Molecular consequence: missense variant.
Genome position (GRCh38, 1-based): chr20:32,434,526, G>A. VCF-style: chr20-32434526-G-A. GRCh37 (hg19) VCF-style: chr20-31022329-G-A.
Other names: c.1631G>A, p.Cys544Tyr (NM_001363734.1); short protein forms C544Y, C605Y.
Identifiers: ClinVar variation 1360907 (VCV001360907.6), dbSNP rs772781848, ClinGen allele CA408557978.

ClinVar aggregate classification (germline): Uncertain significance (1 of 4 stars; one submission).

Allele frequency attached by ClinVar (database versions not stated): TOPMed below 0.00001.
gnomAD v4.1: 26 of 1,613,876 alleles (0.0016%); highest among the groups gnomAD compares: Non-Finnish European, 0.0022%; no homozygotes.

Submission:

Labcorp Genetics (formerly Invitae), Labcorp
Classification: Uncertain significance. Last evaluated: 2021-07-29. Review status: criteria provided, single submitter. Criteria: Invitae Variant Classification Sherloc (09022015). Collection method: clinical testing. Allele origin: germline.
Comment: This sequence change replaces cysteine with tyrosine at codon 605 of the ASXL1 protein (p.Cys605Tyr). The cysteine residue is moderately conserved and there is a large physicochemical difference between cysteine and tyrosine. This variant is not present in population databases (ExAC no frequency). This variant has not been reported in the literature in individuals affected with ASXL1-related conditions. Algorithms developed to predict the effect of missense changes on protein structure and function output the following: SIFT: "Tolerated"; PolyPhen-2: "Benign"; Align-GVGD: "Class C0". The tyrosine amino acid residue is found in multiple mammalian species, which suggests that this missense change does not adversely affect protein function. In summary, the available evidence is currently insufficient to determine the role of this variant in disease. Therefore, it has been classified as a Variant of Uncertain Significance.